The following is an entry in ClinVar:

NM_004370.6(COL12A1):c.4000+5G>A

Gene: COL12A1 (collagen type XII alpha 1 chain; minus strand). Cytogenetic location: 6q13.
Variant type: single nucleotide variant.
Coding change: c.4000+5G>A on transcript NM_004370.6 (MANE Select); 5 bases into the intron after coding-DNA position 4000, G replaced by A.
Molecular consequence: intron variant.
Genome position (GRCh38, 1-based): chr6:75,151,862, C>T on the plus strand (G>A on the coding strand, the complement: COL12A1 is on the minus strand). VCF-style: chr6-75151862-C-T. GRCh37 (hg19) VCF-style: chr6-75861578-C-T.
Other names: c.508+5G>A (NM_080645.3).
Identifiers: ClinVar variation 475863 (VCV000475863.53), dbSNP rs181257320, ClinGen allele CA3893572.

ClinVar aggregate classification (germline): Benign/Likely benign. Review status: criteria provided, multiple submitters, no conflicts (2 of 4 stars). 8 submissions from 8 submitters: Benign (1); Likely benign (7). Last evaluated 2026-07-01.

Conditions:
Ullrich congenital muscular dystrophy 2 (UCMD2). Identifiers: Orphanet 75840, MedGen C4225314, MONDO:0014654, OMIM 616470.
Bethlem myopathy 2 (BTHLM2). Identifiers: Orphanet 536516, Orphanet 610, MedGen C4225313, MONDO:0034022, OMIM 616471.

Allele frequency attached by ClinVar (database versions not stated): 1000 Genomes Project 30x 0.00109; 1000 Genomes Project 0.00120; ExAC 0.00277; gnomAD exomes 0.00277 and 0.00375; TOPMed 0.00299; gnomAD 0.00337 and 0.00349; ESP Exome Variant Server 0.00362.
gnomAD v4.1: 5,980 of 1,613,108 alleles (0.37%); highest among the groups gnomAD compares: Non-Finnish European, 0.41%; 13 homozygotes.

Submissions (16):

CeGaT Center for Human Genetics Tuebingen
Classification: Likely benign. Last evaluated: 2026-07-01. Review status: criteria provided, single submitter. Criteria: CeGaT Center For Human Genetics Tuebingen Variant Classification Criteria Version 2. Collection method: clinical testing. Allele origin: germline. Affected: yes. Observed: 20 variant alleles.
Comment: COL12A1: BP4, BS2

Labcorp Genetics (formerly Invitae), Labcorp
Classification: Likely benign for Bethlem myopathy 2; Ullrich congenital muscular dystrophy 2. Last evaluated: 2026-02-04. Review status: criteria provided, single submitter. Criteria: Invitae Variant Classification Sherloc (09022015). Collection method: clinical testing. Allele origin: germline.

Mayo Clinic Laboratories, Mayo Clinic
Classification: Likely benign. Last evaluated: 2025-07-14. Review status: criteria provided, single submitter. Criteria: ACMG Guidelines, 2015. Collection method: clinical testing. Allele origin: germline. Observed: 25 variant alleles.
Comment: BS1, BS2

Blueprint Genetics
Classification: Likely benign. Last evaluated: 2024-11-26. Review status: criteria provided, single submitter. Criteria: ACMG Guidelines, 2015. Collection method: clinical testing. Allele origin: germline.

Women's Health and Genetics/Laboratory Corporation of America, LabCorp
Classification: Benign. Last evaluated: 2024-11-19. Review status: criteria provided, single submitter. Criteria: LabCorp Variant Classification Summary - May 2015. Collection method: clinical testing. Allele origin: germline.
Comment: Variant summary: COL12A1 c.4000+5G>A alters a non-conserved nucleotide located close to a canonical splice site and therefore could affect mRNA splicing, leading to a significantly altered protein sequence. Several computational tools predict a significant impact on normal splicing: Two predict the variant abolishes a 5' splicing donor site. Two predict the variant weakens a 5' donor site. However, these predictions have yet to be confirmed by functional studies. The variant allele was found at a frequency of 0.0037 in 1460962 control chromosomes, including 9 homozygotes, predominantly at a frequency of 0.0054 within the Non-Finnish European subpopulation in the gnomAD database. The observed variant frequency within Non-Finnish European control individuals in the gnomAD database is approximately 1.5 fold of the estimated maximal expected allele frequency for a pathogenic variant in COL12A1 causing Ullrich congenital muscular dystrophy 2 phenotype (0.0035). To our knowledge, no occurrence of c.4000+5G>A in individuals affected with Ullrich congenital muscular dystrophy 2 and no experimental evidence demonstrating its impact on protein function have been reported. ClinVar contains an entry for this variant (Variation ID: 475863). Based on the evidence outlined above, the variant was classified as benign.

Fulgent Genetics
Classification: Likely benign for Ullrich congenital muscular dystrophy 2; Bethlem myopathy 2. Last evaluated: 2021-08-31. Review status: criteria provided, single submitter. Criteria: ACMG Guidelines, 2015. Collection method: clinical testing. Allele origin: unknown.

GeneDx
Classification: Likely benign. Last evaluated: 2020-12-09. Review status: criteria provided, single submitter. Criteria: GeneDx Variant Classification Process June 2021. Collection method: clinical testing. Allele origin: germline. Affected: yes.

Breakthrough Genomics
Classification: Likely benign. Review status: criteria provided, single submitter. Criteria: ACMG Guidelines, 2015. Collection method: not provided. Allele origin: germline. Inheritance: Autosomal recessive inheritance. Affected: yes.

Dr. Peter K. Rogan Lab, Western University
No classification provided (evidence only). Condition: Lung cancer. Review status: no classification provided. Collection method: in vitro. Allele origin: not applicable. Functional consequence: retained intron. Not counted in ClinVar's aggregate classification.

Dr. Peter K. Rogan Lab, Western University
No classification provided (evidence only). Condition: Familial cancer of breast. Review status: no classification provided. Collection method: in vitro. Allele origin: not applicable. Functional consequence: retained intron. Not counted in ClinVar's aggregate classification.

Dr. Peter K. Rogan Lab, Western University
No classification provided (evidence only). Condition: Familial cancer of breast. Review status: no classification provided. Collection method: in vitro. Allele origin: not applicable. Functional consequence: retained intron. Not counted in ClinVar's aggregate classification.

Dr. Peter K. Rogan Lab, Western University
No classification provided (evidence only). Condition: Gastric cancer. Review status: no classification provided. Collection method: in vitro. Allele origin: not applicable. Functional consequence: retained intron. Not counted in ClinVar's aggregate classification.

Dr. Peter K. Rogan Lab, Western University
No classification provided (evidence only). Condition: Gastric cancer. Review status: no classification provided. Collection method: in vitro. Allele origin: not applicable. Functional consequence: retained intron. Not counted in ClinVar's aggregate classification.

Dr. Peter K. Rogan Lab, Western University
No classification provided (evidence only). Condition: Gastric cancer. Review status: no classification provided. Collection method: in vitro. Allele origin: not applicable. Functional consequence: retained intron. Not counted in ClinVar's aggregate classification.

Dr. Peter K. Rogan Lab, Western University
No classification provided (evidence only). Condition: Adrenocortical carcinoma, hereditary. Review status: no classification provided. Collection method: in vitro. Allele origin: not applicable. Functional consequence: retained intron. Not counted in ClinVar's aggregate classification.

Dr. Peter K. Rogan Lab, Western University
No classification provided (evidence only). Condition: Ovarian cancer. Review status: no classification provided. Collection method: in vitro. Allele origin: not applicable. Functional consequence: retained intron. Not counted in ClinVar's aggregate classification.